The following is an entry in ClinVar:

ClinVar aggregate classification (germline): Likely benign (1 of 4 stars; one submission).

Allele frequency attached by ClinVar (database versions not stated): ExAC 0.00467.

Submission:

CeGaT Center for Human Genetics Tuebingen
Classification: Likely benign. Last evaluated: 2023-03-01. Review status: criteria provided, single submitter. Criteria: CeGaT Center For Human Genetics Tuebingen Variant Classification Criteria Version 2. Collection method: clinical testing. Allele origin: germline. Affected: yes. Observed: 2 variant alleles.
Comment: ZDHHC11: BS2

NM_024786.3(ZDHHC11):c.784+249dup

Gene: ZDHHC11 (zDHHC palmitoyltransferase 11; minus strand). Cytogenetic location: 5p15.33.
Variant type: Duplication.
Coding change: c.784+249dup on transcript NM_024786.3 (MANE Select); 249 bases into the intron after coding-DNA position 784, one base duplicated (A; older notation c.784+249dupA).
Molecular consequence: intron variant.
Genome position (GRCh38, 1-based): chr5:840,246, T duplicated on the plus strand (A on the coding strand, the reverse complement: ZDHHC11 is on the minus strand). VCF-style (leftmost placement, unchanged base first): chr5-840245-G-GT. GRCh37 (hg19) VCF-style: chr5-840360-G-GT.
Other names: c.949+249dup (NM_001393492.1).
Identifiers: ClinVar variation 2655258 (VCV002655258.24), dbSNP rs3842081, ClinGen allele CA3178486.